The following is an entry in ClinVar:

NM_001297.5(CNGB1):c.2775G>A (p.Trp925Ter)

Gene: CNGB1 (cyclic nucleotide gated channel subunit beta 1; minus strand). Cytogenetic location: 16q21.
Variant type: single nucleotide variant.
Coding change: c.2775G>A on transcript NM_001297.5 (MANE Select); coding-DNA position 2775, G replaced by A.
Protein change: p.Trp925Ter; replaces tryptophan 925 with a stop codon.
Molecular consequence: nonsense.
Genome position (GRCh38, 1-based): chr16:57,903,841, C>T on the plus strand (G>A on the coding strand, the complement: CNGB1 is on the minus strand). VCF-style: chr16-57903841-C-T. GRCh37 (hg19) VCF-style: chr16-57937745-C-T.
Other names: c.2757G>A, p.Trp919Ter (NM_001286130.2); short protein forms W919*, W925*.
Identifiers: ClinVar variation 1322098 (VCV001322098.8), dbSNP rs2149358455, ClinGen allele CA396057238.
Genomic context (GRCh38, chr16:57,903,841, plus strand): 5'-TTGACTGGGAGCTGGTGGCTGCCAGGGCGTGACCATCTTACCCAGCATGCCTTGCGAGTG[C>T]CAGGTGTACTCGTACCAGGTCTTGACGCGGTTCTGCACGGACTTGGGGATCTTGTAGAAA-3'

ClinVar aggregate classification (germline): Pathogenic. Review status: criteria provided, multiple submitters, no conflicts (2 of 4 stars). 3 submissions from 3 submitters: Pathogenic (3). Last evaluated 2025-06-09.

Conditions:
Retinitis pigmentosa 45 (RP45). Identifiers: Orphanet 791, MedGen C3151066, MONDO:0013413, OMIM 613767.

Submissions (3):

3billion
Classification: Pathogenic for Retinitis pigmentosa 45. Last evaluated: 2025-06-09. Review status: criteria provided, single submitter. Criteria: ACMG Guidelines, 2015. Collection method: clinical testing. Allele origin: germline. Affected: yes.
Comment: The variant is not observed in the gnomAD v4.1.0 dataset. Predicted Consequence/Location: Stop-gained (nonsense): predicted to result in a loss or disruption of normal protein function through nonsense-mediated decay (NMD) or protein truncation. Multiple pathogenic variants are reported downstream of the variant. The variant has been reported at least twice as pathogenic without evidence for the classification (ClinVar ID: VCV001322098). Therefore, this variant is classified as Pathogenic according to the recommendation of ACMG/AMP guideline.

Labcorp Genetics (formerly Invitae), Labcorp
Classification: Pathogenic. Last evaluated: 2023-03-20. Review status: criteria provided, single submitter. Criteria: Invitae Variant Classification Sherloc (09022015). Collection method: clinical testing. Allele origin: germline.
Comment: This sequence change creates a premature translational stop signal (p.Trp925*) in the CNGB1 gene. It is expected to result in an absent or disrupted protein product. Loss-of-function variants in CNGB1 are known to be pathogenic (PMID: 15557452, 24043777). For these reasons, this variant has been classified as Pathogenic. ClinVar contains an entry for this variant (Variation ID: 1322098). This variant has not been reported in the literature in individuals affected with CNGB1-related conditions. This variant is not present in population databases (gnomAD no frequency).

Revvity Omics, Revvity
Classification: Pathogenic for Retinitis pigmentosa 45. Last evaluated: 2019-08-28. Review status: criteria provided, single submitter. Criteria: ACMG Guidelines, 2015. Collection method: clinical testing. Allele origin: germline.

Literature cited by the submitters: PubMed 15557452 (cited by Labcorp Genetics (formerly Invitae), Labcorp); PubMed 24043777 (cited by Labcorp Genetics (formerly Invitae), Labcorp).